The following is an entry in ClinVar:

ClinVar aggregate classification (germline): Pathogenic (1 of 4 stars; one submission).

Conditions:
Primary open angle glaucoma (POAG). Also called: OPTN-related open angle glaucoma. Identifiers: MedGen C0339573, MONDO:0100553, OMIM 137760.
Glaucoma 1, open angle, E. Identifiers: MedGen C1842026, MONDO:0007665.
Amyotrophic lateral sclerosis type 12 (ALS12). Also called: AMYOTROPHIC LATERAL SCLEROSIS 12 WITH OR WITHOUT FRONTOTEMPORAL DEMENTIA. Identifiers: Orphanet 803, MedGen C3150692, MONDO:0013264, OMIM 613435.

Submission:

Labcorp Genetics (formerly Invitae), Labcorp
Classification: Pathogenic for Primary open angle glaucoma; Glaucoma 1, open angle, E; Amyotrophic lateral sclerosis type 12. Last evaluated: 2022-04-02. Review status: criteria provided, single submitter. Criteria: Invitae Variant Classification Sherloc (09022015). Collection method: clinical testing. Allele origin: germline.
Comment: For these reasons, this variant has been classified as Pathogenic. This variant has not been reported in the literature in individuals affected with OPTN-related conditions. A gross deletion of the genomic region encompassing the full coding sequence of the OPTN gene has been identified. Loss-of-function variants in OPTN are known to be pathogenic (PMID: 20428114). The boundaries of this event are unknown as they extend beyond the assayed region for this gene and therefore may encompass additional genes.

Literature cited by the submitters: PubMed 20428114.

NC_000010.10:g.(?_13151123)_(13178866_?)del

Gene: OPTN (optineurin; plus strand). Cytogenetic location: 10p13.
Variant type: Deletion.
Identifiers: ClinVar variation 1425874 (VCV001425874.7).